The following is an entry in ClinVar:

ClinVar aggregate classification (germline): Uncertain significance. Review status: criteria provided, multiple submitters, no conflicts (2 of 4 stars). 2 submissions from 2 submitters: Uncertain significance (2). Last evaluated 2024-02-24.

Allele frequency attached by ClinVar (database versions not stated): TOPMed below 0.00001; gnomAD exomes 0.00001 and 0.00002; ExAC 0.00003.
gnomAD v4.1: 13 of 1,614,076 alleles (0.00081%); highest among the groups gnomAD compares: East Asian, 0.0067%; no homozygotes.

Submissions (2):

Labcorp Genetics (formerly Invitae), Labcorp
Classification: Uncertain significance. Last evaluated: 2024-02-24. Review status: criteria provided, single submitter. Criteria: Invitae Variant Classification Sherloc (09022015). Collection method: clinical testing. Allele origin: germline.
Comment: This sequence change replaces lysine, which is basic and polar, with glutamic acid, which is acidic and polar, at codon 332 of the TULP1 protein (p.Lys332Glu). This variant is present in population databases (rs778854532, gnomAD 0.006%). This variant has not been reported in the literature in individuals affected with TULP1-related conditions. ClinVar contains an entry for this variant (Variation ID: 1494434). Advanced modeling of protein sequence and biophysical properties (such as structural, functional, and spatial information, amino acid conservation, physicochemical variation, residue mobility, and thermodynamic stability) performed at Invitae indicates that this missense variant is not expected to disrupt TULP1 protein function with a negative predictive value of 95%. In summary, the available evidence is currently insufficient to determine the role of this variant in disease. Therefore, it has been classified as a Variant of Uncertain Significance.

Blueprint Genetics
Classification: Uncertain significance. Last evaluated: 2022-03-04. Review status: criteria provided, single submitter. Criteria: ACMG Guidelines, 2015. Collection method: clinical testing. Allele origin: germline.

NM_003322.6(TULP1):c.994A>G (p.Lys332Glu)

Gene: TULP1 (TUB like protein 1; minus strand). Cytogenetic location: 6p21.31.
Variant type: single nucleotide variant.
Coding change: c.994A>G on transcript NM_003322.6 (MANE Select); coding-DNA position 994, A replaced by G.
Protein change: p.Lys332Glu; replaces lysine 332 with glutamic acid.
Molecular consequence: missense variant.
Genome position (GRCh38, 1-based): chr6:35,506,008, T>C on the plus strand (A>G on the coding strand, the complement: TULP1 is on the minus strand). VCF-style: chr6-35506008-T-C. GRCh37 (hg19) VCF-style: chr6-35473785-T-C.
Other names: c.835A>G, p.Lys279Glu (NM_001289395.2); short protein forms K279E, K332E.
Identifiers: ClinVar variation 1494434 (VCV001494434.6), dbSNP rs778854532, ClinGen allele CA3772729.